The following is an entry in ClinVar:

NM_003872.3(NRP2):c.618G>C (p.Gly206=)

Gene: NRP2 (neuropilin 2; plus strand). Cytogenetic location: 2q33.3.
Variant type: single nucleotide variant.
Coding change: c.618G>C on transcript NM_003872.3 (MANE Select); coding-DNA position 618, G replaced by C.
Protein change: p.Gly206=; no amino-acid change (glycine 206 retained).
Molecular consequence: synonymous variant.
Genome position (GRCh38, 1-based): chr2:205,722,662, G>C. VCF-style: chr2-205722662-G-C. GRCh37 (hg19) VCF-style: chr2-206587386-G-C.
Other names: c.618G>C, p.Gly206= (NM_018534.4, NM_201264.2, NM_201266.2 and 2 more transcripts).
Identifiers: ClinVar variation 3049178 (VCV003049178.2), dbSNP rs141359798, ClinGen allele CA2068854.

ClinVar aggregate classification (germline): Likely benign (0 of 4 stars; one submission).

Conditions:
NRP2-related disorder. Also called: NRP2-related condition.

Allele frequency attached by ClinVar (database versions not stated): gnomAD exomes 0.00004; ExAC 0.00007; gnomAD 0.00013; TOPMed 0.00020; ESP Exome Variant Server 0.00023.
gnomAD v4.1: 86 of 1,614,018 alleles (0.0053%); highest among the groups gnomAD compares: Middle Eastern, 0.033%; no homozygotes.

Submission:

PreventionGenetics, part of Exact Sciences
Classification: Likely benign for NRP2-related condition. Last evaluated: 2021-07-02. Review status: no assertion criteria provided. Collection method: clinical testing. Allele origin: germline.
Comment: This variant is classified as likely benign based on ACMG/AMP sequence variant interpretation guidelines (Richards et al. 2015 PMID: 25741868, with internal and published modifications).